The following is an entry in ClinVar:

ClinVar aggregate classification (germline): Uncertain significance (1 of 4 stars; one submission).

Conditions:
Brugada syndrome. Also called: Sudden unexplained nocturnal death syndrome; Sudden unexpected nocturnal death syndrome; Sudden Unexplained Death Syndrome; Sudden Unexplained Nocturnal Death Syndrome (SUNDS). Identifiers: Orphanet 130, MedGen C1142166, MONDO:0015263.

Submission:

Labcorp Genetics (formerly Invitae), Labcorp
Classification: Uncertain significance for Brugada syndrome. Last evaluated: 2023-04-24. Review status: criteria provided, single submitter. Criteria: Invitae Variant Classification Sherloc (09022015). Collection method: clinical testing. Allele origin: germline.
Comment: In summary, the available evidence is currently insufficient to determine the role of this variant in disease. Therefore, it has been classified as a Variant of Uncertain Significance. ClinVar contains an entry for this variant (Variation ID: 2419829). This variant has not been reported in the literature in individuals affected with KCNJ8-related conditions. This variant is not present in population databases (gnomAD no frequency). This sequence change creates a premature translational stop signal (p.Glu11*) in the KCNJ8 gene. It is expected to result in an absent or disrupted protein product. However, the current clinical and genetic evidence is not sufficient to establish whether loss-of-function variants in KCNJ8 cause disease.

NC_000012.12:g.21773586C>A

Genes: KCNJ8 (potassium inwardly rectifying channel subfamily J member 8; minus strand), KCNJ8-AS1 (KCNJ8 antisense RNA 1; plus strand). Cytogenetic location: 12p12.1.
Variant type: single nucleotide variant.
Genome position: GRCh38 VCF-style: chr12-21773586-C-A. GRCh37 (hg19) VCF-style: chr12-21926520-C-A.
Identifiers: ClinVar variation 2419829 (VCV002419829.32), dbSNP rs2540728870, ClinGen allele CA384132819.